The following is an entry in ClinVar:

NM_017934.7(PHIP):c.1493G>A (p.Arg498Lys)

Gene: PHIP (PHIP subunit of CUL4-Ring ligase complex; minus strand). Cytogenetic location: 6q14.1.
Variant type: single nucleotide variant.
Coding change: c.1493G>A on transcript NM_017934.7 (MANE Select); coding-DNA position 1493, G replaced by A.
Protein change: p.Arg498Lys; replaces arginine 498 with lysine.
Molecular consequence: missense variant.
Genome position (GRCh38, 1-based): chr6:79,015,113, C>T on the plus strand (G>A on the coding strand, the complement: PHIP is on the minus strand). VCF-style: chr6-79015113-C-T. GRCh37 (hg19) VCF-style: chr6-79724830-C-T.
Other names: short protein forms R498K.
Identifiers: ClinVar variation 4995351 (VCV004995351.1).

ClinVar aggregate classification (germline): Uncertain significance (1 of 4 stars; one submission).

Conditions:
PHIP-related disorder. Also called: PHIP-related disorders; PHIP-related condition.

Submission:

PreventionGenetics, part of Exact Sciences
Classification: Uncertain significance for PHIP-related condition. Last evaluated: 2026-07-15. Review status: criteria provided, single submitter. Criteria: ACMG Guidelines, 2015. Collection method: clinical testing. Allele origin: germline.
Comment: The PHIP c.1493G>A variant is predicted to result in the amino acid substitution p.Arg498Lys. To our knowledge, this variant has not been reported in the literature or in a large population database (gnomAD), indicating this variant is rare. At this time, the clinical significance of this variant is uncertain due to the absence of conclusive functional and genetic evidence.